The following is an entry in ClinVar:

NM_024700.4(SNIP1):c.125C>T (p.Ala42Val)

Gene: SNIP1 (Smad nuclear interacting protein 1; minus strand). Cytogenetic location: 1p34.3.
Variant type: single nucleotide variant.
Coding change: c.125C>T on transcript NM_024700.4 (MANE Select); coding-DNA position 125, C replaced by T.
Protein change: p.Ala42Val; replaces alanine 42 with valine.
Molecular consequence: missense variant.
Genome position (GRCh38, 1-based): chr1:37,554,105, G>A on the plus strand (C>T on the coding strand, the complement: SNIP1 is on the minus strand). VCF-style: chr1-37554105-G-A. GRCh37 (hg19) VCF-style: chr1-38019706-G-A.
Other names: short protein forms A42V.
Identifiers: ClinVar variation 3670303 (VCV003670303.2).
Genomic context (GRCh38, chr1:37,554,105, plus strand): 5'-CGGGCCGGCTCGCTGGTCGGCGGAGACGGGCTACCACCGGAGTGGTCCGGACGGCGGTGG[G>A]CGGGAGGTGCGACTTCTGGGCTGAGACGCTCCTGCTTCACCACCACCCCCGCCGGCAGCA-3'
Protein context (NP_078976.2, residues 32-52): ERLSPEVAPP[Ala42Val]HRRPDHSGGS

ClinVar aggregate classification (germline): Uncertain significance (1 of 4 stars; one submission).

Submission:

Labcorp Genetics (formerly Invitae), Labcorp
Classification: Uncertain significance. Last evaluated: 2024-10-09. Review status: criteria provided, single submitter. Criteria: Invitae Variant Classification Sherloc (09022015). Collection method: clinical testing. Allele origin: germline.
Comment: This sequence change replaces alanine, which is neutral and non-polar, with valine, which is neutral and non-polar, at codon 42 of the SNIP1 protein (p.Ala42Val). This variant is not present in population databases (gnomAD no frequency). This variant has not been reported in the literature in individuals affected with SNIP1-related conditions. An algorithm developed to predict the effect of missense changes on protein structure and function outputs the following: PolyPhen-2: "Benign". The valine amino acid residue is found in multiple mammalian species, which suggests that this missense change does not adversely affect protein function. In summary, the available evidence is currently insufficient to determine the role of this variant in disease. Therefore, it has been classified as a Variant of Uncertain Significance.